The following is an entry in ClinVar:

NM_015072.5(TTLL5):c.968_973del (p.Lys323_Thr324del)

Gene: TTLL5 (tubulin tyrosine ligase like 5; plus strand). Cytogenetic location: 14q24.3.
Variant type: Deletion.
Coding change: c.968_973del on transcript NM_015072.5 (MANE Select); coding-DNA positions 968 to 973, 6 bases deleted (AGACTA; older notation c.968_973delAGACTA).
Protein change: p.Lys323_Thr324del.
Molecular consequence: inframe deletion.
Genome position (GRCh38, 1-based): chr14:75,720,629-75,720,634, AGACTA deleted; deleting any 6 consecutive bases within chr14:75,720,627-75,720,634 gives the same sequence; the c. name uses the placement nearest the transcript's 3' end. VCF-style (leftmost placement, unchanged base first): chr14-75720626-TTAAGAC-T. GRCh37 (hg19) VCF-style: chr14-76186969-TTAAGAC-T.
Identifiers: ClinVar variation 1349784 (VCV001349784.8), dbSNP rs926135196, ClinGen allele CA263690901.
Genomic context (GRCh38, chr14:75,720,626, plus strand): 5'-AGTCTGAAATTTAAAAATTTTTGTTTGCAGCATTGATGGCCCATGTAGAAGACCTGATCA[TTAAGAC>T]TATAATCTCTGCTGAACTAGCTATTGCTACTGCCTGTAAAACCTTTGTTCCTCATCGCAG-3'

ClinVar aggregate classification (germline): Uncertain significance (1 of 4 stars; one submission).

Submission:

Labcorp Genetics (formerly Invitae), Labcorp
Classification: Uncertain significance. Last evaluated: 2026-01-05. Review status: criteria provided, single submitter. Criteria: Invitae Variant Classification Sherloc (09022015). Collection method: clinical testing. Allele origin: germline.
Comment: This variant, c.968_973del, results in the deletion of 2 amino acid(s) of the TTLL5 protein (p.Lys323_Thr324del), but otherwise preserves the integrity of the reading frame. This variant is not present in population databases (gnomAD no frequency). This variant has not been reported in the literature in individuals affected with TTLL5-related conditions. ClinVar contains an entry for this variant (Variation ID: 1349784). Experimental studies and prediction algorithms are not available or were not evaluated, and the functional significance of this variant is currently unknown. In summary, the available evidence is currently insufficient to determine the role of this variant in disease. Therefore, it has been classified as a Variant of Uncertain Significance.